The following is an entry in ClinVar:

NM_000629.3(IFNAR1):c.1042A>G (p.Ile348Val)

Gene: IFNAR1 (interferon alpha and beta receptor subunit 1; plus strand). Cytogenetic location: 21q22.11.
Variant type: single nucleotide variant.
Coding change: c.1042A>G on transcript NM_000629.3 (MANE Select); coding-DNA position 1042, A replaced by G.
Protein change: p.Ile348Val; replaces isoleucine 348 with valine.
Molecular consequence: missense variant.
Genome position (GRCh38, 1-based): chr21:33,349,442, A>G. VCF-style: chr21-33349442-A-G. GRCh37 (hg19) VCF-style: chr21-34721748-A-G.
Other names: c.1042A>G, p.Ile348Val (NM_001384498.1, NM_001384499.1, NM_001384503.1); c.280A>G, p.Ile94Val (NM_001384500.1); c.1027A>G, p.Ile343Val (NM_001384501.1); c.580A>G, p.Ile194Val (NM_001384502.1); c.835A>G, p.Ile279Val (NM_001384504.1); short protein forms I279V, I194V, I348V, I343V, I94V.
Identifiers: ClinVar variation 1973528 (VCV001973528.3), dbSNP rs1020198639, ClinGen allele CA320147304.

ClinVar aggregate classification (germline): Uncertain significance (1 of 4 stars; one submission).

Allele frequency attached by ClinVar (database versions not stated): gnomAD exomes below 0.00001; gnomAD 0.00005; TOPMed 0.00005.
gnomAD v4.1: 15 of 1,611,126 alleles (0.00093%); highest among the groups gnomAD compares: African/African-American, 0.017%; no homozygotes.

Submission:

Labcorp Genetics (formerly Invitae), Labcorp
Classification: Uncertain significance. Last evaluated: 2025-08-31. Review status: criteria provided, single submitter. Criteria: Invitae Variant Classification Sherloc (09022015). Collection method: clinical testing. Allele origin: germline.
Comment: This sequence change replaces isoleucine, which is neutral and non-polar, with valine, which is neutral and non-polar, at codon 348 of the IFNAR1 protein (p.Ile348Val). This variant is present in population databases (no rsID available, gnomAD 0.03%). This variant has not been reported in the literature in individuals affected with IFNAR1-related conditions. ClinVar contains an entry for this variant (Variation ID: 1973528). An algorithm developed to predict the effect of missense changes on protein structure and function outputs the following: PolyPhen-2: "Benign". The valine amino acid residue is found in multiple mammalian species, which suggests that this missense change does not adversely affect protein function. In summary, the available evidence is currently insufficient to determine the role of this variant in disease. Therefore, it has been classified as a Variant of Uncertain Significance.